The following is an entry in ClinVar:

ClinVar aggregate classification (germline): Uncertain significance (1 of 4 stars; one submission).

Allele frequency attached by ClinVar (database versions not stated): gnomAD exomes below 0.00001; TOPMed 0.00001.
gnomAD v4.1: 6 of 1,597,196 alleles (0.00038%); highest among the groups gnomAD compares: Non-Finnish European, 0.00034%; no homozygotes.

Submission:

Labcorp Genetics (formerly Invitae), Labcorp
Classification: Uncertain significance. Last evaluated: 2019-10-28. Review status: criteria provided, single submitter. Criteria: Invitae Variant Classification Sherloc (09022015). Collection method: clinical testing. Allele origin: germline.
Comment: This sequence change replaces methionine with valine at codon 955 of the CEP250 protein (p.Met955Val). The methionine residue is moderately conserved and there is a small physicochemical difference between methionine and valine. This variant is not present in population databases (ExAC no frequency). This variant has not been reported in the literature in individuals with CEP250-related conditions. Algorithms developed to predict the effect of missense changes on protein structure and function (SIFT, PolyPhen-2, Align-GVGD) all suggest that this variant is likely to be tolerated, but these predictions have not been confirmed by published functional studies and their clinical significance is uncertain. In summary, the available evidence is currently insufficient to determine the role of this variant in disease. Therefore, it has been classified as a Variant of Uncertain Significance.

NM_007186.6(CEP250):c.2863A>G (p.Met955Val)

Gene: CEP250 (centrosomal protein 250; plus strand). Cytogenetic location: 20q11.22.
Variant type: single nucleotide variant.
Coding change: c.2863A>G on transcript NM_007186.6 (MANE Select); coding-DNA position 2863, A replaced by G.
Protein change: p.Met955Val; replaces methionine 955 with valine.
Molecular consequence: missense variant.
Genome position (GRCh38, 1-based): chr20:35,491,320, A>G. VCF-style: chr20-35491320-A-G. GRCh37 (hg19) VCF-style: chr20-34079146-A-G.
Other names: c.967A>G, p.Met323Val (NM_001318219.1); short protein forms M323V, M955V.
Identifiers: ClinVar variation 956315 (VCV000956315.8), dbSNP rs1462652214, ClinGen allele CA408740181.